The following is an entry in ClinVar:

ClinVar aggregate classification (germline): Uncertain significance (1 of 4 stars; one submission).

Conditions:
NRP2-related disorder. Also called: NRP2-related condition.

gnomAD v4.1: 5 of 1,614,096 alleles (0.00031%); highest among the groups gnomAD compares: East Asian, 0.011%; no homozygotes.

Submission:

PreventionGenetics, part of Exact Sciences
Classification: Uncertain significance for NRP2-related condition. Last evaluated: 2024-12-10. Review status: criteria provided, single submitter. Criteria: ACMG Guidelines, 2015. Collection method: clinical testing. Allele origin: germline.
Comment: The NRP2 c.1904-2A>T variant is predicted to disrupt the AG splice acceptor site and interfere with normal splicing. To our knowledge, this variant has not been reported in the literature. This variant is reported in 0.016% of alleles in individuals of East Asian descent in gnomAD. Loss of function is not an established mechanism of NRP2-associated disease. At this time, the clinical significance of this variant is uncertain due to the absence of conclusive functional and genetic evidence.

NM_003872.3(NRP2):c.1904-2A>T

Genes: NRP2 (neuropilin 2; plus strand), LOC126806481 (CDK7 strongly-dependent group 2 enhancer GRCh37_chr2:206617009-206618208; plus strand). Cytogenetic location: 2q33.3.
Variant type: single nucleotide variant.
Coding change: c.1904-2A>T on transcript NM_003872.3 (MANE Select); the canonical splice acceptor site of the intron before coding-DNA position 1904, A replaced by T.
Molecular consequence: splice acceptor variant.
Genome position (GRCh38, 1-based): chr2:205,752,833, A>T. VCF-style: chr2-205752833-A-T. GRCh37 (hg19) VCF-style: chr2-206617557-A-T.
Other names: c.1904-2A>T (NM_201266.2, NM_201279.2, NM_018534.4 and 1 more transcripts).
Identifiers: ClinVar variation 4977401 (VCV004977401.1).
Genomic context (GRCh38, chr2:205,752,833, plus strand): 5'-TGTGGCTGTTCTCTGAACCCATTTCATTTGCCTTCCTTTGGGTTATTGTTTTCCCCTTTT[A>T]GACAAAGATTTGCAGCTCCCTTCGGGATTCAATTGCAACTTCGATTTCCTCGAGGAGCCC-3'